The following is an entry in ClinVar:

NM_001289125.3(IFNAR2):c.90T>G (p.Asp30Glu)

Genes: IFNAR2 (interferon alpha and beta receptor subunit 2; plus strand), IFNAR2-IL10RB (IFNAR2-IL10RB readthrough; plus strand). Cytogenetic location: 21q22.11.
Variant type: single nucleotide variant.
Coding change: c.90T>G on transcript NM_001289125.3 (MANE Select); coding-DNA position 90, T replaced by G.
Protein change: p.Asp30Glu; replaces aspartic acid 30 with glutamic acid.
Molecular consequence: missense variant.
Genome position (GRCh38, 1-based): chr21:33,243,707, T>G. VCF-style: chr21-33243707-T-G. GRCh37 (hg19) VCF-style: chr21-34616012-T-G.
Other names: c.90T>G, p.Asp30Glu (NM_000874.5, NM_001289126.2, NM_001289128.2 and 4 more transcripts); short protein forms D30E.
Identifiers: ClinVar variation 1364274 (VCV001364274.6), dbSNP rs765337440, ClinGen allele CA10005534.

ClinVar aggregate classification (germline): Uncertain significance (1 of 4 stars; one submission).

Allele frequency attached by ClinVar (database versions not stated): TOPMed below 0.00001; gnomAD 0.00001; gnomAD exomes 0.00002 and 0.00004; ExAC 0.00004.
gnomAD v4.1: 32 of 1,612,522 alleles (0.002%); highest among the groups gnomAD compares: South Asian, 0.033%; no homozygotes.

Submission:

Labcorp Genetics (formerly Invitae), Labcorp
Classification: Uncertain significance. Last evaluated: 2021-08-08. Review status: criteria provided, single submitter. Criteria: Invitae Variant Classification Sherloc (09022015). Collection method: clinical testing. Allele origin: germline.
Comment: In summary, the available evidence is currently insufficient to determine the role of this variant in disease. Therefore, it has been classified as a Variant of Uncertain Significance. Algorithms developed to predict the effect of missense changes on protein structure and function (SIFT, PolyPhen-2, Align-GVGD) all suggest that this variant is likely to be tolerated, but these predictions have not been confirmed by published functional studies and their clinical significance is uncertain. This variant has not been reported in the literature in individuals with IFNAR2-related conditions. This variant is present in population databases (rs765337440, ExAC 0.03%). This sequence change replaces aspartic acid with glutamic acid at codon 30 of the IFNAR2 protein (p.Asp30Glu). The aspartic acid residue is weakly conserved and there is a small physicochemical difference between aspartic acid and glutamic acid.